The following is an entry in ClinVar:

NM_032444.4(SLX4):c.4739+1G>A

Gene: SLX4 (SLX4 structure-specific endonuclease subunit; minus strand). Cytogenetic location: 16p13.3.
Variant type: single nucleotide variant.
Coding change: c.4739+1G>A on transcript NM_032444.4 (MANE Select); the canonical splice donor site of the intron after coding-DNA position 4739, G replaced by A.
Molecular consequence: splice donor variant.
Genome position (GRCh38, 1-based): chr16:3,584,768, C>T on the plus strand (G>A on the coding strand, the complement: SLX4 is on the minus strand). VCF-style: chr16-3584768-C-T. GRCh37 (hg19) VCF-style: chr16-3634769-C-T.
Identifiers: ClinVar variation 4712054 (VCV004712054.1).
Genomic context (GRCh38, chr16:3,584,768, plus strand): 5'-ACCCAGTTACTTATGGGAGGGAAAAGACCACTGTGGGCAACAAGCTTTGAAGACCGCCAA[C>T]CTATCCAGTTCCTTCTTCAGCACCGGCGTCTCCATAATGGAATACTGTGGCATCGGCGTT-3'

ClinVar aggregate classification (germline): Likely pathogenic (1 of 4 stars; one submission).

Conditions:
Fanconi anemia (FA). Also called: Fanconi's anemia. Identifiers: Orphanet 84, MedGen C0015625, MeSH D005199, MONDO:0019391.

gnomAD v4.1: 2 of 1,611,646 alleles (0.00012%); highest among the groups gnomAD compares: Non-Finnish European, 0.00017%; no homozygotes.

Submission:

Labcorp Genetics (formerly Invitae), Labcorp
Classification: Likely pathogenic for Fanconi anemia. Last evaluated: 2025-01-30. Review status: criteria provided, single submitter. Criteria: Invitae Variant Classification Sherloc (09022015). Collection method: clinical testing. Allele origin: germline.
Comment: This sequence change affects a donor splice site in intron 13 of the SLX4 gene. It is expected to disrupt RNA splicing. Variants that disrupt the donor or acceptor splice site typically lead to a loss of protein function (PMID: 16199547), and loss-of-function variants in SLX4 are known to be pathogenic (PMID: 21240277). This variant is not present in population databases (gnomAD no frequency). Disruption of this splice site has been observed in individual(s) with breast and/or ovarian cancer (PMID: 27913932). Algorithms developed to predict the effect of sequence changes on RNA splicing suggest that this variant may disrupt the consensus splice site. In summary, the currently available evidence indicates that the variant is pathogenic, but additional data are needed to prove that conclusively. Therefore, this variant has been classified as Likely Pathogenic.

Literature cited by the submitters: PubMed 16199547; PubMed 21240277; PubMed 27913932.